The following is an entry in ClinVar:

NM_016239.4(MYO15A):c.8967+50C>A

Gene: MYO15A (myosin XVA; plus strand). Cytogenetic location: 17p11.2.
Variant type: single nucleotide variant.
Coding change: c.8967+50C>A on transcript NM_016239.4 (MANE Select); 50 bases into the intron after coding-DNA position 8967, C replaced by A.
Molecular consequence: intron variant.
Genome position (GRCh38, 1-based): chr17:18,157,950, C>A. VCF-style: chr17-18157950-C-A. GRCh37 (hg19) VCF-style: chr17-18061264-C-A.
Identifiers: ClinVar variation 676460 (VCV000676460.2), dbSNP rs183384454, ClinGen allele CA8425325.
Genomic context (GRCh38, chr17:18,157,950, plus strand): 5'-GCAGGAGAGAGGTGAGACCAGTGTGGGTGGGGTGGGGCGGGGTAGACCAGGGGGAAGGGG[C>A]CGCTGCAGAAGGGGTGAGGCGAGTGGGGATAAGGTGGGCCAAGGGCCTGGCCAGGCTCTT-3'

ClinVar aggregate classification (germline): Likely benign. Review status: criteria provided, multiple submitters, no conflicts (2 of 4 stars). 2 submissions from 2 submitters: Likely benign (2). Last evaluated 2018-06-16.

Allele frequency attached by ClinVar (database versions not stated): gnomAD exomes 0.00042 and 0.00167; gnomAD 0.00352; TOPMed 0.00452; 1000 Genomes Project 30x 0.00453; 1000 Genomes Project 0.00479; ExAC 0.00630.

Submissions (2):

GeneDx
Classification: Likely benign. Last evaluated: 2018-06-16. Review status: criteria provided, single submitter. Criteria: GeneDx Variant Classification (06012015). Collection method: clinical testing. Allele origin: germline. Affected: yes.
Comment: This variant is considered likely benign or benign based on one or more of the following criteria: it is a conservative change, it occurs at a poorly conserved position in the protein, it is predicted to be benign by multiple in silico algorithms, and/or has population frequency not consistent with disease.

Breakthrough Genomics
Classification: Likely benign. Review status: criteria provided, single submitter. Criteria: ACMG Guidelines, 2015. Collection method: not provided. Allele origin: germline. Inheritance: Autosomal recessive inheritance. Affected: yes.